The following is an entry in ClinVar:

NM_001211.6(BUB1B):c.1568G>A (p.Gly523Asp)

Gene: BUB1B (BUB1 mitotic checkpoint serine/threonine kinase B; plus strand). Cytogenetic location: 15q15.1.
Variant type: single nucleotide variant.
Coding change: c.1568G>A on transcript NM_001211.6 (MANE Select); coding-DNA position 1568, G replaced by A.
Protein change: p.Gly523Asp; replaces glycine 523 with aspartic acid.
Molecular consequence: missense variant.
Genome position (GRCh38, 1-based): chr15:40,202,405, G>A. VCF-style: chr15-40202405-G-A. GRCh37 (hg19) VCF-style: chr15-40494606-G-A.
Other names: short protein forms G523D.
Identifiers: ClinVar variation 3826069 (VCV003826069.1).

ClinVar aggregate classification (germline): Uncertain significance (1 of 4 stars; one submission).

Conditions:
Inborn genetic diseases. Identifiers: MedGen C0950123, MeSH D030342.

gnomAD v4.1: 1 of 1,607,640 alleles (0.000062%); highest among the groups gnomAD compares: Non-Finnish European, 0.000085%; no homozygotes.

Submission:

Ambry Genetics
Classification: Uncertain significance for Inborn genetic diseases. Last evaluated: 2025-03-10. Review status: criteria provided, single submitter. Criteria: Ambry Variant Classification Scheme 2023. Collection method: clinical testing. Allele origin: germline.
Comment: The p.G523D variant (also known as c.1568G>A) is located in coding exon 13 of the BUB1B gene. The glycine at codon 523 is replaced by aspartic acid, an amino acid with similar properties. This change occurs in the first base pair of coding exon 13. This amino acid position is conserved. In addition, this alteration is predicted to be tolerated by in silico analysis. Based on the available evidence, the clinical significance of this variant remains unclear.